The following is an entry in ClinVar:

NM_058216.3(RAD51C):c.115del (p.Leu38_Leu39insTer)

Gene: RAD51C (RAD51 paralog C; plus strand). Cytogenetic location: 17q22.
Variant type: Deletion.
Coding change: c.115del on transcript NM_058216.3 (MANE Select); coding-DNA position 115, one base deleted (C; older notation c.115delC).
Protein change: p.Leu38_Leu39insTer.
Molecular consequence: nonsense. On other transcripts: non-coding transcript variant (1).
Genome position (GRCh38, 1-based): chr17:58,692,758, C deleted; the last of 2 consecutive C bases (chr17:58,692,757-58,692,758); deleting either gives the same sequence. VCF-style (leftmost placement, unchanged base first): chr17-58692756-TC-T. GRCh37 (hg19) VCF-style: chr17-56770117-TC-T.
Other names: c.115del, p.Leu38_Leu39insTer (NM_002876.4).
Identifiers: ClinVar variation 4542687 (VCV004542687.1).

ClinVar aggregate classification (germline): Likely pathogenic (1 of 4 stars; one submission).

Conditions:
Hereditary cancer-predisposing syndrome. Also called: Tumor predisposition; Hereditary Cancer Syndrome; Hereditary neoplastic syndrome; Neoplastic Syndromes, Hereditary. Identifiers: Orphanet 140162, MedGen C0027672, MeSH D009386, MONDO:0015356.

Submission:

Ambry Genetics
Classification: Likely pathogenic for Hereditary cancer-predisposing syndrome. Last evaluated: 2025-11-25. Review status: criteria provided, single submitter. Criteria: Ambry Variant Classification Scheme 2023. Collection method: clinical testing. Allele origin: germline.
Comment: The c.115delC variant, located in coding exon 1 of the RAD51C gene, results from a deletion of one nucleotide at nucleotide position 115, causing a translational frameshift with a predicted alternate stop codon (p.L39*). The predicted stop codon occurs in the 5&rsquo; end of thegene. Premature termination codons in the 5&rsquo; end of a gene have been reported to escape nonsense-mediated mRNAdecay and/or lead to re-initiation (Rivas et al. Science. 2015 May 8;348(6235):666-9; Lindeboom et al. Nat Genet. 2016 Oct;48(10):1112-8; Rhee et al. Sci Rep. 2017 May 10;7(1):1653). Direct evidence for this alteration is unavailable, however premature termination codons are typically deleterious in nature. This variant is considered to be rare based on population cohorts in the Genome Aggregation Database (gnomAD). Based on the majority of available evidence to date, this variant is likely to be pathogenic.